The following is an entry in ClinVar:

ClinVar aggregate classification (germline): Uncertain significance (1 of 4 stars; one submission).

Conditions:
Epidermolysis bullosa simplex 5C, with pyloric atresia (EBS5C). Also called: PLEC-Related Epidermolysis Bullosa with Pyloric Atresia; Epidermolysis bullosa simplex with pyloric atresia; PLEC1-Related Epidermolysis Bullosa with Pyloric Atresia. Identifiers: Orphanet 158684, MedGen C2677349, MONDO:0012807, OMIM 612138.
Autosomal recessive limb-girdle muscular dystrophy type 2Q (LGMDR17). Also called: MUSCULAR DYSTROPHY, LIMB-GIRDLE, AUTOSOMAL RECESSIVE 17. Identifiers: Orphanet 254361, MedGen C3150989, MONDO:0013390, OMIM 613723.
Epidermolysis bullosa simplex, Ogna type (EBS5A). Also called: Pidermolysis bullosa simplex 5A, Ogna type; EPIDERMOLYSIS BULLOSA SIMPLEX 5A, OGNA TYPE. Identifiers: Orphanet 79401, MedGen C0432317, MONDO:0007555, OMIM 131950.
Epidermolysis bullosa simplex 5B, with muscular dystrophy (EBS5B). Also called: Epidermolysis bullosa simplex with muscular dystrophy; EPIDERMOLYSIS BULLOSA SIMPLEX AND LIMB-GIRDLE MUSCULAR DYSTROPHY. Identifiers: Orphanet 257, MedGen C2931072, MONDO:0009181, OMIM 226670.
Epidermolysis bullosa simplex with nail dystrophy (EBS5D). Identifiers: MedGen C4225309, MONDO:0014661, OMIM 616487.

Allele frequency attached by ClinVar (database versions not stated): gnomAD exomes below 0.00001; gnomAD 0.00002; TOPMed 0.00002.
gnomAD v4.1: 11 of 1,571,668 alleles (0.0007%); highest among the groups gnomAD compares: African/African-American, 0.0013%; no homozygotes.

Submission:

Labcorp Genetics (formerly Invitae), Labcorp
Classification: Uncertain significance for Autosomal recessive limb-girdle muscular dystrophy type 2Q; Epidermolysis bullosa simplex, Ogna type; Epidermolysis bullosa simplex with nail dystrophy; Epidermolysis bullosa simplex 5C, with pyloric atresia; Epidermolysis bullosa simplex 5B, with muscular dystrophy. Last evaluated: 2022-07-20. Review status: criteria provided, single submitter. Criteria: Invitae Variant Classification Sherloc (09022015). Collection method: clinical testing. Allele origin: germline.
Comment: This sequence change replaces aspartic acid, which is acidic and polar, with asparagine, which is neutral and polar, at codon 841 of the PLEC protein (p.Asp841Asn). This variant is not present in population databases (gnomAD no frequency). This variant has not been reported in the literature in individuals affected with PLEC-related conditions. Algorithms developed to predict the effect of missense changes on protein structure and function are either unavailable or do not agree on the potential impact of this missense change (SIFT: "Deleterious"; PolyPhen-2: "Not Available"; Align-GVGD: "Class C15"). In summary, the available evidence is currently insufficient to determine the role of this variant in disease. Therefore, it has been classified as a Variant of Uncertain Significance.

NM_201384.3(PLEC):c.2440G>A (p.Asp814Asn)

Gene: PLEC (plectin; minus strand). Cytogenetic location: 8q24.3.
Variant type: single nucleotide variant.
Coding change: c.2440G>A on transcript NM_201384.3 (MANE Select); coding-DNA position 2440, G replaced by A.
Protein change: p.Asp814Asn; replaces aspartic acid 814 with asparagine.
Molecular consequence: missense variant.
Genome position (GRCh38, 1-based): chr8:143,930,401, C>T on the plus strand (G>A on the coding strand, the complement: PLEC is on the minus strand). VCF-style: chr8-143930401-C-T. GRCh37 (hg19) VCF-style: chr8-145004569-C-T.
Other names: c.2521G>A, p.Asp841Asn (NM_000445.5, NM_001410941.1); c.2398G>A, p.Asp800Asn (NM_201378.4); c.2374G>A, p.Asp792Asn (NM_201379.3); c.2851G>A, p.Asp951Asn (NM_201380.4); c.2344G>A, p.Asp782Asn (NM_201381.3); c.2440G>A, p.Asp814Asn (NM_201382.4); c.2452G>A, p.Asp818Asn (NM_201383.3); short protein forms D800N, D841N, D782N, D818N, D951N, D792N, D814N.
Identifiers: ClinVar variation 2107641 (VCV002107641.4), dbSNP rs1226846618, ClinGen allele CA372574469.